The following is an entry in ClinVar:

ClinVar aggregate classification (germline): Uncertain significance (1 of 4 stars; one submission).

Conditions:
Neuroblastoma, susceptibility to, 3. Also called: ALK-Related Neuroblastic Tumor Susceptibility. Identifiers: Orphanet 635, MedGen C2751681, MONDO:0013083, OMIM 613014.

Allele frequency attached by ClinVar (database versions not stated): gnomAD exomes below 0.00001.
gnomAD v4.1: 1 of 1,614,150 alleles (0.000062%); highest among the groups gnomAD compares: Non-Finnish European, 0.000085%; no homozygotes.

Submission:

Labcorp Genetics (formerly Invitae), Labcorp
Classification: Uncertain significance for Neuroblastoma, susceptibility to, 3. Last evaluated: 2022-06-03. Review status: criteria provided, single submitter. Criteria: Invitae Variant Classification Sherloc (09022015). Collection method: clinical testing. Allele origin: germline.
Comment: This sequence change replaces proline, which is neutral and non-polar, with serine, which is neutral and polar, at codon 431 of the ALK protein (p.Pro431Ser). This variant is not present in population databases (gnomAD no frequency). This variant has not been reported in the literature in individuals affected with ALK-related conditions. ClinVar contains an entry for this variant (Variation ID: 961638). Algorithms developed to predict the effect of missense changes on protein structure and function (SIFT, PolyPhen-2, Align-GVGD) all suggest that this variant is likely to be tolerated. In summary, the available evidence is currently insufficient to determine the role of this variant in disease. Therefore, it has been classified as a Variant of Uncertain Significance.

NM_004304.5(ALK):c.1291C>T (p.Pro431Ser)

Gene: ALK (ALK receptor tyrosine kinase; minus strand). Cytogenetic location: 2p23.2.
Variant type: single nucleotide variant.
Coding change: c.1291C>T on transcript NM_004304.5 (MANE Select); coding-DNA position 1291, C replaced by T.
Protein change: p.Pro431Ser; replaces proline 431 with serine.
Molecular consequence: missense variant.
Genome position (GRCh38, 1-based): chr2:29,328,473, G>A on the plus strand (C>T on the coding strand, the complement: ALK is on the minus strand). VCF-style: chr2-29328473-G-A. GRCh37 (hg19) VCF-style: chr2-29551339-G-A.
Other names: short protein forms P431S.
Identifiers: ClinVar variation 961638 (VCV000961638.9), dbSNP rs1667341414, ClinGen allele CA346474592.